The following is an entry in ClinVar:

NM_000038.6(APC):c.1514del (p.Ala504_Leu505insTer)

Gene: APC (APC regulator of Wnt signaling pathway; plus strand). Cytogenetic location: 5q22.2.
Variant type: Deletion.
Coding change: c.1514del on transcript NM_000038.6 (MANE Select); coding-DNA position 1514, one base deleted (T; older notation c.1514delT).
Protein change: p.Ala504_Leu505insTer.
Molecular consequence: nonsense. On other transcripts: frameshift variant (20).
Genome position (GRCh38, 1-based): chr5:112,827,213, T deleted; the last of 3 consecutive T bases (chr5:112,827,211-112,827,213); deleting any one gives the same sequence. VCF-style (leftmost placement, unchanged base first): chr5-112827210-CT-C. GRCh37 (hg19) VCF-style: chr5-112162907-CT-C.
Other names: c.1514del, p.Ala504_Leu505insTer (NM_001127510.3, NM_001354895.2); c.1460del, p.Ala486_Leu487insTer (NM_001127511.3); c.1568del, p.Ala522_Leu523insTer (NM_001354896.2); c.1544del, p.Ala514_Leu515insTer (NM_001354897.2); c.1439del, p.Ala479_Leu480insTer (NM_001354898.2); c.1430del, p.Ala476_Leu477insTer (NM_001354899.2); c.1391del, p.Ala463_Leu464insTer (NM_001354900.2); c.1337del, p.Ala445_Leu446insTer (NM_001354901.2); and 17 more.
Identifiers: ClinVar variation 2445935 (VCV002445935.2), dbSNP rs2533200367, ClinGen allele CA2580072404.

ClinVar aggregate classification (germline): Pathogenic/Likely pathogenic. Review status: criteria provided, multiple submitters, no conflicts (2 of 4 stars). 2 submissions from 2 submitters: Pathogenic (1); Likely pathogenic (1). Last evaluated 2023-05-01.

Conditions:
Familial multiple polyposis syndrome (FAP). Also called: Familial polyposis; Familial adenomatous polyposis; Familial intestinal polyposis; Classic familial adenomatous polyposis; Familial Adenomatous Polyposis (FAP). Identifiers: Orphanet 733, MedGen C0032580, MONDO:0021055. Disease mechanism: loss of function.
Familial adenomatous polyposis 1 (FAP1). Also called: FAMILIAL ADENOMATOUS POLYPOSIS 1, ATTENUATED; POLYPOSIS, ADENOMATOUS INTESTINAL. Identifiers: MedGen C2713442, MONDO:0021056, OMIM 175100. Disease mechanism: loss of function.

Submissions (2):

Myriad Genetics, Inc.
Classification: Pathogenic for Familial adenomatous polyposis 1. Last evaluated: 2023-05-01. Review status: criteria provided, single submitter. Criteria: Myriad Autosomal Dominant, Autosomal Recessive and X-Linked Classification Criteria (2023). Collection method: clinical testing. Allele origin: unknown.
Comment: This variant is considered pathogenic. This variant creates a termination codon and is predicted to result in premature protein truncation.

Women's Health and Genetics/Laboratory Corporation of America, LabCorp
Classification: Likely pathogenic for Familial multiple polyposis syndrome. Last evaluated: 2023-02-21. Review status: criteria provided, single submitter. Criteria: LabCorp Variant Classification Summary - May 2015. Collection method: clinical testing. Allele origin: germline.
Comment: Variant summary: APC c.1514delT (p.Leu505X) results in a premature termination codon, predicted to cause a truncation of the encoded protein or absence of the protein due to nonsense mediated decay, which are commonly known mechanisms for disease. Truncations downstream of this position have been classified as pathogenic by our laboratory. The variant was absent in 251316 control chromosomes. To our knowledge, no occurrence of c.1514delT in individuals affected with Familial Adenomatous Polyposis and no experimental evidence demonstrating its impact on protein function have been reported. No clinical diagnostic laboratories have submitted clinical-significance assessments for this variant to ClinVar after 2014. Based on the evidence outlined above, the variant was classified as likely pathogenic.